The following is an entry in ClinVar:

ClinVar aggregate classification (germline): Benign. Review status: criteria provided, multiple submitters, no conflicts (2 of 4 stars). 3 submissions from 3 submitters: Benign (3). Last evaluated 2018-06-23.

Conditions:
Medulloblastoma (MDB). Also called: Medulloblastoma, somatic; MEDULLOBLASTOMA PREDISPOSITION SYNDROME. Identifiers: Orphanet 616, MedGen C0025149, MeSH D008527, MONDO:0007959, OMIM 155255, HP:0002885.

Allele frequency attached by ClinVar (database versions not stated): gnomAD 0.04701 and 0.05045; TOPMed 0.05305; 1000 Genomes Project 0.05531; 1000 Genomes Project 30x 0.05653.
gnomAD v4.1: 10,568 of 910,658 alleles (1.2%); highest among the groups gnomAD compares: African/African-American, 16%; 786 homozygotes.

Submissions (3):

GeneDx
Classification: Benign. Last evaluated: 2018-06-23. Review status: criteria provided, single submitter. Criteria: GeneDx Variant Classification Process June 2021. Collection method: clinical testing. Allele origin: germline. Affected: yes.

Illumina Laboratory Services, Illumina
Classification: Benign for Medulloblastoma. Last evaluated: 2018-01-12. Review status: criteria provided, single submitter. Criteria: ICSL Variant Classification Criteria 13 December 2019. Collection method: clinical testing. Allele origin: germline.
Comment: This variant was observed in the ICSL laboratory as part of a predisposition screen in an ostensibly healthy population. It had not been previously curated by ICSL or reported in the Human Gene Mutation Database (HGMD: prior to June 1st, 2018), and was therefore a candidate for classification through an automated scoring system. Utilizing variant allele frequency, disease prevalence and penetrance estimates, and inheritance mode, an automated score was calculated to assess if this variant is too frequent to cause the disease. Based on the score and internal cut-off values, a variant classified as benign is not then subjected to further curation. The score for this variant resulted in a classification of benign for this disease.

Breakthrough Genomics
Classification: Benign. Review status: criteria provided, single submitter. Criteria: ACMG Guidelines, 2015. Collection method: not provided. Allele origin: germline. Inheritance: Autosomal recessive inheritance. Affected: yes.

NM_016169.4(SUFU):c.-178C>T

Genes: SUFU (SUFU negative regulator of hedgehog signaling; plus strand), LOC130004614 (ATAC-STARR-seq lymphoblastoid silent region 2764; plus strand). Cytogenetic location: 10q24.32.
Variant type: single nucleotide variant.
Coding change: c.-178C>T on transcript NM_016169.4 (MANE Select); 178 bases upstream of the start codon, C replaced by T.
Molecular consequence: 5 prime UTR variant.
Genome position (GRCh38, 1-based): chr10:102,503,975, C>T. VCF-style: chr10-102503975-C-T. GRCh37 (hg19) VCF-style: chr10-104263732-C-T.
Other names: c.-178C>T (NM_001178133.2).
Identifiers: ClinVar variation 298564 (VCV000298564.7), dbSNP rs113962600, ClinGen allele CA10630798.
Genomic context (GRCh38, chr10:102,503,975, plus strand): 5'-GGGTGCGCCGGCGCCCCGCCCCCCTTAGCGCCCCGCCGCCCCGAGGCACCCTCTGGCAGA[C>T]TCGGCGGCGGCGACAGCCTGGGCGGACAGTGCGCCGTGCGCAGGCGCGGAGCTAGACCTC-3'